The following is an entry in ClinVar:

ClinVar aggregate classification (germline): Uncertain significance. Review status: criteria provided, multiple submitters, no conflicts (2 of 4 stars). 2 submissions from 2 submitters: Uncertain significance (2). Last evaluated 2022-01-05.

Conditions:
COG5-congenital disorder of glycosylation. Also called: CONGENITAL DISORDER OF GLYCOSYLATION, TYPE IIi; CDG IIi; COG5-CDG. Identifiers: Orphanet 263487, MedGen C3150876, MONDO:0013325, OMIM 613612.

gnomAD v4.1: 2 of 1,610,024 alleles (0.00012%); highest among the groups gnomAD compares: East Asian, 0.0022%; no homozygotes.

Submissions (2):

Fulgent Genetics
Classification: Uncertain significance for COG5-congenital disorder of glycosylation. Last evaluated: 2022-01-05. Review status: criteria provided, single submitter. Criteria: ACMG Guidelines, 2015. Collection method: clinical testing. Allele origin: unknown.

Labcorp Genetics (formerly Invitae), Labcorp
Classification: Uncertain significance for COG5-congenital disorder of glycosylation. Last evaluated: 2020-12-18. Review status: criteria provided, single submitter. Criteria: Invitae Variant Classification Sherloc (09022015). Collection method: clinical testing. Allele origin: germline.
Comment: This variant is not present in population databases (ExAC no frequency). In summary, the available evidence is currently insufficient to determine the role of this variant in disease. Therefore, it has been classified as a Variant of Uncertain Significance. Algorithms developed to predict the effect of sequence changes on RNA splicing suggest that this variant may create or strengthen a splice site, but this prediction has not been confirmed by published transcriptional studies. Algorithms developed to predict the effect of missense changes on protein structure and function are either unavailable or do not agree on the potential impact of this missense change (SIFT: "Tolerated"; PolyPhen-2: "Possibly Damaging"; Align-GVGD: "Class C0"). This variant has not been reported in the literature in individuals with COG5-related conditions. This sequence change replaces glutamine with glutamic acid at codon 728 of the COG5 protein (p.Gln728Glu). The glutamine residue is highly conserved and there is a small physicochemical difference between glutamine and glutamic acid.

NM_006348.5(COG5):c.2089C>G (p.Gln697Glu)

Gene: COG5 (component of oligomeric golgi complex 5; minus strand). Cytogenetic location: 7q22.3.
Variant type: single nucleotide variant.
Coding change: c.2089C>G on transcript NM_006348.5 (MANE Select); coding-DNA position 2089, C replaced by G.
Protein change: p.Gln697Glu; replaces glutamine 697 with glutamic acid.
Molecular consequence: missense variant. On other transcripts: intron variant (1).
Genome position (GRCh38, 1-based): chr7:107,236,452, G>C on the plus strand (C>G on the coding strand, the complement: COG5 is on the minus strand). VCF-style: chr7-107236452-G-C. GRCh37 (hg19) VCF-style: chr7-106876897-G-C.
Other names: c.2089C>G, p.Gln697Glu (NM_001161520.2, NM_001379513.1); c.1927C>G, p.Gln643Glu (NM_001379511.1); c.1915C>G, p.Gln639Glu (NM_001379512.1); c.1519C>G, p.Gln507Glu (NM_001379515.1); c.1375C>G, p.Gln459Glu (NM_001379516.1); c.2026C>G, p.Gln676Glu (NM_181733.4); c.1853+11944C>G (NM_001379514.1); short protein forms Q507E, Q676E, Q697E, Q459E, Q643E, Q639E.
Identifiers: ClinVar variation 1387095 (VCV001387095.7), dbSNP rs1031677638, ClinGen allele CA164682315.